The following is an entry in ClinVar:

ClinVar aggregate classification (germline): Pathogenic/Likely pathogenic. Review status: criteria provided, multiple submitters, no conflicts (2 of 4 stars). 2 submissions from 2 submitters: Pathogenic (1); Likely pathogenic (1). Last evaluated 2023-05-19.

Conditions:
USH2A-related disorder. Also called: USH2A-related condition; USH2A-related disorders. Identifiers: MedGen CN239332.

Submissions (2):

Labcorp Genetics (formerly Invitae), Labcorp
Classification: Pathogenic. Last evaluated: 2023-05-19. Review status: criteria provided, single submitter. Criteria: Invitae Variant Classification Sherloc (09022015). Collection method: clinical testing. Allele origin: germline.
Comment: This sequence change creates a premature translational stop signal (p.Glu2238Argfs*14) in the USH2A gene. It is expected to result in an absent or disrupted protein product. Loss-of-function variants in USH2A are known to be pathogenic (PMID: 10729113, 10909849, 20507924, 25649381). This variant is not present in population databases (gnomAD no frequency). This variant has not been reported in the literature in individuals affected with USH2A-related conditions. For these reasons, this variant has been classified as Pathogenic.

Blueprint Genetics
Classification: Likely pathogenic for USH2A-related disorders. Last evaluated: 2022-05-18. Review status: criteria provided, single submitter. Criteria: ACMG Guidelines, 2015. Collection method: clinical testing. Allele origin: germline. Affected: yes. Observed: 2 variant alleles.

Literature cited by the submitters: PubMed 10729113 (cited by Labcorp Genetics (formerly Invitae), Labcorp); PubMed 10909849 (cited by Labcorp Genetics (formerly Invitae), Labcorp); PubMed 20507924 (cited by Labcorp Genetics (formerly Invitae), Labcorp); PubMed 25649381 (cited by Labcorp Genetics (formerly Invitae), Labcorp).

NM_206933.4(USH2A):c.6712_6722del (p.Glu2238fs)

Gene: USH2A (usherin; minus strand). Cytogenetic location: 1q41.
Variant type: Deletion.
Coding change: c.6712_6722del on transcript NM_206933.4 (MANE Select); coding-DNA positions 6712 to 6722, 11 bases deleted (GAGGACATACC).
Protein change: p.Glu2238fs; shifts the reading frame from glutamic acid 2238.
Molecular consequence: frameshift variant.
Genome position (GRCh38, 1-based): chr1:215,993,103-215,993,113, GGTATGTCCTC deleted on the plus strand (GAGGACATACC on the coding strand, the reverse complement: USH2A is on the minus strand); deleting any 11 consecutive bases within chr1:215,993,103-215,993,114 gives the same sequence; the c. name uses the placement nearest the transcript's 3' end. VCF-style (leftmost placement, unchanged base first): chr1-215993102-GGGTATGTCCTC-G. GRCh37 (hg19) VCF-style: chr1-216166444-GGGTATGTCCTC-G.
Other names: short protein forms E2238fs.
Identifiers: ClinVar variation 2865723 (VCV002865723.4), dbSNP rs2527606344, ClinGen allele CA2650506219.
Genomic context (GRCh38, chr1:215,993,102, plus strand): 5'-CCAGGAGACATTAAAGGAGTCAGGTGAATATGAGTGGGCTTTGGGGGCTGGCACGCCTTC[GGGTATGTCCTC>G]GTCAGTTAGGGCCTCACTGGCCTCACTCACTGTGCACCCACCACCTGTGCAAGCCTAAAC-3'